The following is an entry in ClinVar:

ClinVar aggregate classification (germline): Uncertain significance (1 of 4 stars; one submission).

Conditions:
Congenital myasthenic syndrome 8. Also called: Myasthenic syndrome, congenital, 8, with pre- and postsynaptic defects; MYASTHENIC SYNDROME, CONGENITAL, DUE TO AGRIN DEFICIENCY. Identifiers: Orphanet 590, MedGen C3808739, MONDO:0014052, OMIM 615120.

gnomAD v4.1: 1 of 1,594,604 alleles (0.000063%); highest among the groups gnomAD compares: Non-Finnish European, 0.000085%; no homozygotes.

Submission:

Labcorp Genetics (formerly Invitae), Labcorp
Classification: Uncertain significance for Congenital myasthenic syndrome 8. Last evaluated: 2024-03-16. Review status: criteria provided, single submitter. Criteria: Invitae Variant Classification Sherloc (09022015). Collection method: clinical testing. Allele origin: germline.
Comment: This sequence change replaces threonine, which is neutral and polar, with serine, which is neutral and polar, at codon 1444 of the AGRN protein (p.Thr1444Ser). This variant is not present in population databases (gnomAD no frequency). This variant has not been reported in the literature in individuals affected with AGRN-related conditions. An algorithm developed to predict the effect of missense changes on protein structure and function (PolyPhen-2) suggests that this variant is likely to be tolerated. In summary, the available evidence is currently insufficient to determine the role of this variant in disease. Therefore, it has been classified as a Variant of Uncertain Significance.

NM_198576.4(AGRN):c.4331C>G (p.Thr1444Ser)

Gene: AGRN (agrin; plus strand). Cytogenetic location: 1p36.33.
Variant type: single nucleotide variant.
Coding change: c.4331C>G on transcript NM_198576.4 (MANE Select); coding-DNA position 4331, C replaced by G.
Protein change: p.Thr1444Ser; replaces threonine 1444 with serine.
Molecular consequence: missense variant.
Genome position (GRCh38, 1-based): chr1:1,049,268, C>G. VCF-style: chr1-1049268-C-G. GRCh37 (hg19) VCF-style: chr1-984648-C-G.
Other names: c.4331C>G, p.Thr1444Ser (NM_001305275.2); c.4016C>G, p.Thr1339Ser (NM_001364727.2); short protein forms T1444S, T1339S.
Identifiers: ClinVar variation 3687478 (VCV003687478.2).